The following is an entry in ClinVar:

NM_003922.4(HERC1):c.8370G>T (p.Met2790Ile)

Gene: HERC1 (HECT and RLD domain containing E3 ubiquitin protein ligase family member 1; minus strand). Cytogenetic location: 15q22.31.
Variant type: single nucleotide variant.
Coding change: c.8370G>T on transcript NM_003922.4 (MANE Select); coding-DNA position 8370, G replaced by T.
Protein change: p.Met2790Ile; replaces methionine 2790 with isoleucine.
Molecular consequence: missense variant.
Genome position (GRCh38, 1-based): chr15:63,666,104, C>A on the plus strand (G>T on the coding strand, the complement: HERC1 is on the minus strand). VCF-style: chr15-63666104-C-A. GRCh37 (hg19) VCF-style: chr15-63958303-C-A.
Other names: short protein forms M2790I.
Identifiers: ClinVar variation 2085622 (VCV002085622.4), dbSNP rs2551286554, ClinGen allele CA392763294.

ClinVar aggregate classification (germline): Uncertain significance (1 of 4 stars; one submission).

Submission:

Labcorp Genetics (formerly Invitae), Labcorp
Classification: Uncertain significance. Last evaluated: 2022-01-16. Review status: criteria provided, single submitter. Criteria: Invitae Variant Classification Sherloc (09022015). Collection method: clinical testing. Allele origin: germline.
Comment: In summary, the available evidence is currently insufficient to determine the role of this variant in disease. Therefore, it has been classified as a Variant of Uncertain Significance. Algorithms developed to predict the effect of missense changes on protein structure and function are either unavailable or do not agree on the potential impact of this missense change (SIFT: "Deleterious"; PolyPhen-2: "Probably Damaging"; Align-GVGD: "Class C0"). This variant has not been reported in the literature in individuals affected with HERC1-related conditions. This variant is not present in population databases (gnomAD no frequency). This sequence change replaces methionine, which is neutral and non-polar, with isoleucine, which is neutral and non-polar, at codon 2790 of the HERC1 protein (p.Met2790Ile).